The following is an entry in ClinVar:

ClinVar aggregate classification (germline): Uncertain significance (1 of 4 stars; one submission).

Allele frequency attached by ClinVar (database versions not stated): gnomAD exomes 0.00002.

Submission:

Labcorp Genetics (formerly Invitae), Labcorp
Classification: Uncertain significance. Last evaluated: 2023-06-23. Review status: criteria provided, single submitter. Criteria: Invitae Variant Classification Sherloc (09022015). Collection method: clinical testing. Allele origin: germline.
Comment: This sequence change replaces threonine, which is neutral and polar, with isoleucine, which is neutral and non-polar, at codon 519 of the LOXL3 protein (p.Thr519Ile). The frequency data for this variant in the population databases is considered unreliable, as metrics indicate poor data quality at this position in the gnomAD database. This variant has not been reported in the literature in individuals affected with LOXL3-related conditions. An algorithm developed to predict the effect of missense changes on protein structure and function (PolyPhen-2) suggests that this variant¬†is likely to be tolerated. In summary, the available evidence is currently insufficient to determine the role of this variant in disease. Therefore, it has been classified as a Variant of Uncertain Significance.

NM_032603.5(LOXL3):c.1556C>T (p.Thr519Ile)

Gene: LOXL3 (lysyl oxidase like 3; minus strand). Cytogenetic location: 2p13.1.
Variant type: single nucleotide variant.
Coding change: c.1556C>T on transcript NM_032603.5 (MANE Select); coding-DNA position 1556, C replaced by T.
Protein change: p.Thr519Ile; replaces threonine 519 with isoleucine.
Molecular consequence: missense variant.
Genome position (GRCh38, 1-based): chr2:74,535,315, G>A on the plus strand (C>T on the coding strand, the complement: LOXL3 is on the minus strand). VCF-style: chr2-74535315-G-A. GRCh37 (hg19) VCF-style: chr2-74762442-G-A.
Other names: c.1121C>T, p.Thr374Ile (NM_001289164.3); c.473C>T, p.Thr158Ile (NM_001289165.2); short protein forms T158I, T374I, T519I.
Identifiers: ClinVar variation 3023230 (VCV003023230.1), dbSNP rs1057381232, ClinGen allele CA50491541.